The following is an entry in ClinVar:

ClinVar aggregate classification (germline): Uncertain significance (1 of 4 stars; one submission).

Submission:

Labcorp Genetics (formerly Invitae), Labcorp
Classification: Uncertain significance. Last evaluated: 2024-07-15. Review status: criteria provided, single submitter. Criteria: Invitae Variant Classification Sherloc (09022015). Collection method: clinical testing. Allele origin: germline.
Comment: This sequence change replaces alanine, which is neutral and non-polar, with asparagine, which is neutral and polar, at codon 536 of the RNF31 protein (p.Ala536Asn). Information on the frequency of this variant in the gnomAD database is not available, as this variant may be reported differently in the database. This variant has not been reported in the literature in individuals affected with RNF31-related conditions. An algorithm developed to predict the effect of missense changes on protein structure and function (PolyPhen-2) suggests that this variant is likely to be tolerated. In summary, the available evidence is currently insufficient to determine the role of this variant in disease. Therefore, it has been classified as a Variant of Uncertain Significance.

NM_017999.5(RNF31):c.1606_1607delinsAA (p.Ala536Asn)

Gene: RNF31 (ring finger protein 31; plus strand). Cytogenetic location: 14q12.
Variant type: Indel.
Coding change: c.1606_1607delinsAA on transcript NM_017999.5 (MANE Select); coding-DNA positions 1606 to 1607, GC replaced by AA.
Protein change: p.Ala536Asn; replaces alanine 536 with asparagine.
Molecular consequence: missense variant.
Genome position (GRCh38, 1-based): chr14:24,151,248-24,151,249, GC replaced by AA. VCF-style: chr14-24151248-GC-AA. GRCh37 (hg19) VCF-style: chr14-24620457-GC-AA.
Other names: c.1153_1154delinsAA, p.Ala385Asn (NM_001310332.2); short protein forms A536N, A385N.
Identifiers: ClinVar variation 3700271 (VCV003700271.2).